The following is an entry in ClinVar:

ClinVar aggregate classification (germline): Conflicting classifications of pathogenicity. Review status: criteria provided, conflicting classifications (1 of 4 stars). 10 submissions from 9 submitters: Uncertain significance (3); Benign (1); Likely benign (6). Last evaluated 2025-09-10.

Conditions:
Cardiomyopathy (CMYO). Also called: Cardiomyopathies. Identifiers: Orphanet 167848, MedGen C0878544, MONDO:0004994, HP:0001638. Inheritance: Various modes of inheritance.
Lethal congenital glycogen storage disease of heart. Also called: GLYCOGEN STORAGE DISEASE OF HEART; PHOSPHORYLASE KINASE DEFICIENCY OF HEART. Identifiers: Orphanet 439854, MedGen C1849813, MONDO:0009867, OMIM 261740.
Hypertrophic cardiomyopathy 6. Identifiers: MedGen C1833236, MONDO:0010946, OMIM 600858.
Wolff-Parkinson-White pattern. Also called: WPW SYNDROME; Auriculoventricular accessory pathway syndrome; False bundle branch block syndrome; Anomalous ventricular excitation syndrome. Identifiers: MedGen C0043202, MONDO:0008685, OMIM 194200, HP:0001716.
Cardiovascular phenotype. Identifiers: MedGen CN230736.
Hypertrophic cardiomyopathy. Also called: HYPERTROPHIC MYOCARDIOPATHY. Identifiers: Orphanet 217569, MedGen C0007194, MeSH D002312, MONDO:0005045, HP:0001639.

Allele frequency attached by ClinVar (database versions not stated): gnomAD 0.00002; TOPMed 0.00003.
gnomAD v4.1: 43 of 1,612,856 alleles (0.0027%); highest among the groups gnomAD compares: Admixed American, 0.0067%; no homozygotes.

Submissions (10):

Mayo Clinic Laboratories, Mayo Clinic
Classification: Likely benign. Last evaluated: 2025-09-10. Review status: criteria provided, single submitter. Criteria: ACMG Guidelines, 2015. Collection method: clinical testing. Allele origin: germline. Observed: 1 variant allele.
Comment: BS2, BP4, BP7

Labcorp Genetics (formerly Invitae), Labcorp
Classification: Likely benign for Lethal congenital glycogen storage disease of heart. Last evaluated: 2025-06-23. Review status: criteria provided, single submitter. Criteria: Invitae Variant Classification Sherloc (09022015). Collection method: clinical testing. Allele origin: germline.

ARUP Laboratories, Molecular Genetics and Genomics, ARUP Laboratories
Classification: Likely benign. Last evaluated: 2023-12-29. Review status: criteria provided, single submitter. Criteria: ARUP Molecular Germline Variant Investigation Process 2021. Collection method: curation. Allele origin: germline.

All of Us Research Program, National Institutes of Health
Classification: Likely benign for Hypertrophic cardiomyopathy. Last evaluated: 2023-04-03. Review status: criteria provided, single submitter. Criteria: ACMG Guidelines, 2015. Collection method: clinical testing. Allele origin: germline. Inheritance: Autosomal dominant inheritance. Observed: 1 variant allele, 1 heterozygote.
Comment: This study involves interpretation of variants in research participants for the purpose of population health screening. Participant phenotype was not available at the time of variant classification. Additional details can be found in publication PMID: 35346344, PMCID: PMC8962531

Ambry Genetics
Classification: Likely benign for Cardiovascular phenotype. Last evaluated: 2019-01-25. Review status: criteria provided, single submitter. Criteria: Ambry Variant Classification Scheme 2023. Collection method: clinical testing. Allele origin: germline.

Color Diagnostics, LLC DBA Color Health
Classification: Likely benign for Cardiomyopathy. Last evaluated: 2018-12-04. Review status: criteria provided, single submitter. Criteria: ACMG Guidelines, 2015. Collection method: clinical testing. Allele origin: germline.

Illumina Laboratory Services, Illumina
Classification: Uncertain significance for Hypertrophic cardiomyopathy 6. Last evaluated: 2018-01-13. Review status: criteria provided, single submitter. Criteria: ICSL Variant Classification Criteria 13 December 2019. Collection method: clinical testing. Allele origin: germline.

Illumina Laboratory Services, Illumina
Classification: Uncertain significance for Wolff-Parkinson-White pattern. Last evaluated: 2018-01-13. Review status: criteria provided, single submitter. Criteria: ICSL Variant Classification Criteria 13 December 2019. Collection method: clinical testing. Allele origin: germline.

CHEO Genetics Diagnostic Laboratory, Children's Hospital of Eastern Ontario
Classification: Uncertain significance for Cardiomyopathy. Last evaluated: 2016-06-03. Review status: criteria provided, single submitter. Criteria: ACMG Guidelines, 2015. Collection method: clinical testing. Allele origin: germline. Study: Canadian Open Genetics Repository.

GeneDx
Classification: Benign. Last evaluated: 2015-04-24. Review status: criteria provided, single submitter. Criteria: GeneDx Variant Classification (06012015). Collection method: clinical testing. Allele origin: germline. Affected: yes.
Comment: This variant is considered likely benign or benign based on one or more of the following criteria: it is a conservative change, it occurs at a poorly conserved position in the protein, it is predicted to be benign by multiple in silico algorithms, and/or has population frequency not consistent with disease.

NM_016203.4(PRKAG2):c.138G>A (p.Pro46=)

Gene: PRKAG2 (protein kinase AMP-activated non-catalytic subunit gamma 2; minus strand). Cytogenetic location: 7q36.1.
Variant type: single nucleotide variant.
Coding change: c.138G>A on transcript NM_016203.4 (MANE Select); coding-DNA position 138, G replaced by A.
Protein change: p.Pro46=; no amino-acid change (proline 46 retained).
Molecular consequence: synonymous variant.
Genome position (GRCh38, 1-based): chr7:151,786,518, C>T on the plus strand (G>A on the coding strand, the complement: PRKAG2 is on the minus strand). VCF-style: chr7-151786518-C-T. GRCh37 (hg19) VCF-style: chr7-151483604-C-T.
Other names: p.Pro46=; c.6G>A, p.Pro2= (NM_001040633.2).
Identifiers: ClinVar variation 359351 (VCV000359351.25), dbSNP rs767613486, ClinGen allele CA054912.